The following is an entry in ClinVar:

NM_004733.4(SLC33A1):c.400G>C (p.Val134Leu)

Gene: SLC33A1 (solute carrier family 33 member 1; minus strand). Cytogenetic location: 3q25.31.
Variant type: single nucleotide variant.
Coding change: c.400G>C on transcript NM_004733.4 (MANE Select); coding-DNA position 400, G replaced by C.
Protein change: p.Val134Leu; replaces valine 134 with leucine.
Molecular consequence: missense variant.
Genome position (GRCh38, 1-based): chr3:155,853,598, C>G on the plus strand (G>C on the coding strand, the complement: SLC33A1 is on the minus strand). VCF-style: chr3-155853598-C-G. GRCh37 (hg19) VCF-style: chr3-155571387-C-G.
Other names: c.400G>C, p.Val134Leu (NM_001190992.2, NM_001363883.1); short protein forms V134L.
Identifiers: ClinVar variation 1034513 (VCV001034513.9), dbSNP rs148175458, ClinGen allele CA2677424.

ClinVar aggregate classification (germline): Conflicting classifications of pathogenicity. Review status: criteria provided, conflicting classifications (1 of 4 stars). 3 submissions from 3 submitters: Uncertain significance (2); Likely benign (1). Last evaluated 2025-08-20.

Conditions:
Spastic paraplegia. Identifiers: MedGen C0037772, HP:0001258.
Inborn genetic diseases. Identifiers: MedGen C0950123, MeSH D030342.

Allele frequency attached by ClinVar (database versions not stated): gnomAD exomes 0.00008; ExAC 0.00013; gnomAD 0.00026 and 0.00029; TOPMed 0.00031; ESP Exome Variant Server 0.00038; 1000 Genomes Project 0.00060; 1000 Genomes Project 30x 0.00062.
gnomAD v4.1: 83 of 1,614,156 alleles (0.0051%); highest among the groups gnomAD compares: African/African-American, 0.1%; no homozygotes.

Submissions (3):

Ambry Genetics
Classification: Likely benign for Inborn genetic diseases. Last evaluated: 2025-08-20. Review status: criteria provided, single submitter. Criteria: Ambry Variant Classification Scheme 2023. Collection method: clinical testing. Allele origin: germline.

GeneDx
Classification: Uncertain significance. Last evaluated: 2024-02-14. Review status: criteria provided, single submitter. Criteria: GeneDx Variant Classification Process June 2021. Collection method: clinical testing. Allele origin: germline. Affected: yes.
Comment: In silico analysis supports that this missense variant does not alter protein structure/function; Has not been previously published as pathogenic or benign to our knowledge

Labcorp Genetics (formerly Invitae), Labcorp
Classification: Uncertain significance for Spastic paraplegia. Last evaluated: 2022-09-27. Review status: criteria provided, single submitter. Criteria: Invitae Variant Classification Sherloc (09022015). Collection method: clinical testing. Allele origin: germline.
Comment: This sequence change replaces valine, which is neutral and non-polar, with leucine, which is neutral and non-polar, at codon 134 of the SLC33A1 protein (p.Val134Leu). This variant is present in population databases (rs148175458, gnomAD 0.08%). This variant has not been reported in the literature in individuals affected with SLC33A1-related conditions. ClinVar contains an entry for this variant (Variation ID: 1034513). Advanced modeling of protein sequence and biophysical properties (such as structural, functional, and spatial information, amino acid conservation, physicochemical variation, residue mobility, and thermodynamic stability) performed at Invitae indicates that this missense variant is not expected to disrupt SLC33A1 protein function. In summary, the available evidence is currently insufficient to determine the role of this variant in disease. Therefore, it has been classified as a Variant of Uncertain Significance.